The following is an entry in ClinVar:

ClinVar aggregate classification (germline): Likely benign (0 of 4 stars; one submission).

Conditions:
NLGN4X-related disorder. Also called: NLGN4X-related condition.

Allele frequency attached by ClinVar (database versions not stated): gnomAD 0.00001; gnomAD exomes 0.00001; ExAC 0.00002; 1000 Genomes Project 0.00026; 1000 Genomes Project 30x 0.00042.
gnomAD v4.1: 15 of 1,209,110 alleles (0.0012%); highest among the groups gnomAD compares: South Asian, 0.0035%; no homozygotes.

Submission:

PreventionGenetics, part of Exact Sciences
Classification: Likely benign for NLGN4X-related condition. Last evaluated: 2019-04-08. Review status: no assertion criteria provided. Collection method: clinical testing. Allele origin: germline.
Comment: This variant is classified as likely benign based on ACMG/AMP sequence variant interpretation guidelines (Richards et al. 2015 PMID: 25741868, with internal and published modifications).

NM_181332.3(NLGN4X):c.2247C>T (p.His749=)

Gene: NLGN4X (neuroligin 4 X-linked; minus strand). Cytogenetic location: Xp22.32.
Variant type: single nucleotide variant.
Coding change: c.2247C>T on transcript NM_181332.3 (MANE Select); coding-DNA position 2247, C replaced by T.
Protein change: p.His749=; no amino-acid change (histidine 749 retained).
Molecular consequence: synonymous variant.
Genome position (GRCh38, 1-based): chrX:5,893,021, G>A on the plus strand (C>T on the coding strand, the complement: NLGN4X is on the minus strand). VCF-style: chrX-5893021-G-A. GRCh37 (hg19) VCF-style: chrX-5811062-G-A.
Other names: c.2247C>T, p.His749= (NM_001282145.2, NM_001282146.2, NM_020742.4).
Identifiers: ClinVar variation 3047193 (VCV003047193.2), dbSNP rs777673585, ClinGen allele CA10340911.